The following is an entry in ClinVar:

NM_014874.4(MFN2):c.1709A>G (p.Asn570Ser)

Genes: MFN2 (mitofusin 2; plus strand), LOC129929426 (ATAC-STARR-seq lymphoblastoid active region 185; plus strand). Cytogenetic location: 1p36.22.
Variant type: single nucleotide variant.
Coding change: c.1709A>G on transcript NM_014874.4 (MANE Select); coding-DNA position 1709, A replaced by G.
Protein change: p.Asn570Ser; replaces asparagine 570 with serine.
Molecular consequence: missense variant.
Genome position (GRCh38, 1-based): chr1:12,005,924, A>G. VCF-style: chr1-12005924-A-G. GRCh37 (hg19) VCF-style: chr1-12065981-A-G.
Other names: p.Asn570Ser; c.1709A>G, p.Asn570Ser (NM_001127660.2); short protein forms N570S.
Identifiers: ClinVar variation 637934 (VCV000637934.12), dbSNP rs376925978, ClinGen allele CA599177.
Genomic context (GRCh38, chr1:12,005,924, plus strand): 5'-CCATGCTGGTGAATAGGTTCCTGGGCCCCAAGAACAGCCGTCGGGCCTTGATGGGCTACA[A>G]TGACCAGGCAAGCAAAGTTCCTCACCTCAAGGGCATTGTGGGGGGTCAGTCTGTACCCTG-3'
Protein context (NP_055689.1, residues 560-580): KNSRRALMGY[Asn570Ser]DQVQRPIPLT

ClinVar aggregate classification (germline): Uncertain significance. Review status: criteria provided, multiple submitters, no conflicts (2 of 4 stars). 4 submissions from 4 submitters: Uncertain significance (2). 2 of the submissions do not count toward it. Last evaluated 2025-03-05.

Conditions:
Charcot-Marie-Tooth disease. Also called: Charcot-Marie-Tooth Neuropathy; Charcot-Marie-Tooth Hereditary Neuropathy. Identifiers: Orphanet 166, MedGen C0007959, MONDO:0015626.
Charcot-Marie-Tooth disease type 2. Also called: Charcot-Marie-Tooth type 2. Identifiers: Orphanet 64746, MedGen C0270914, MONDO:0018993.

Allele frequency attached by ClinVar (database versions not stated): gnomAD exomes 0.00001 and 0.00002; TOPMed 0.00003; gnomAD 0.00006 and 0.00005; ExAC 0.00003; ESP Exome Variant Server 0.00008.
gnomAD v4.1: 31 of 1,613,252 alleles (0.0019%); highest among the groups gnomAD compares: Non-Finnish European, 0.0024%; no homozygotes.

Submissions (4):

Mayo Clinic Laboratories, Mayo Clinic
Classification: Uncertain significance. Last evaluated: 2025-03-05. Review status: criteria provided, single submitter. Criteria: ACMG Guidelines, 2015. Collection method: clinical testing. Allele origin: germline. Observed: 1 variant allele.
Comment: BP4

Labcorp Genetics (formerly Invitae), Labcorp
Classification: Uncertain significance for Charcot-Marie-Tooth disease type 2. Last evaluated: 2024-12-07. Review status: criteria provided, single submitter. Criteria: Invitae Variant Classification Sherloc (09022015). Collection method: clinical testing. Allele origin: germline.
Comment: This sequence change replaces asparagine, which is neutral and polar, with serine, which is neutral and polar, at codon 570 of the MFN2 protein (p.Asn570Ser). This variant is present in population databases (rs376925978, gnomAD 0.007%). This missense change has been observed in individual(s) with neuropathy (PMID: 20350294, 24444136). ClinVar contains an entry for this variant (Variation ID: 637934). Invitae Evidence Modeling of protein sequence and biophysical properties (such as structural, functional, and spatial information, amino acid conservation, physicochemical variation, residue mobility, and thermodynamic stability) indicates that this missense variant is not expected to disrupt MFN2 protein function with a negative predictive value of 95%. In summary, the available evidence is currently insufficient to determine the role of this variant in disease. Therefore, it has been classified as a Variant of Uncertain Significance.

Genesis Genome Database
Classification: Uncertain significance for Charcot-Marie-Tooth disease. Last evaluated: 2019-08-14. Review status: no assertion criteria provided. Collection method: research. Allele origin: germline. Affected: yes. Not counted in ClinVar's aggregate classification.

Inherited Neuropathy Consortium
Classification: Uncertain significance for Charcot-Marie-Tooth disease. Review status: no assertion criteria provided. Collection method: literature only. Allele origin: germline. Affected: yes. Not counted in ClinVar's aggregate classification.

Literature cited by the submitters: PubMed 20350294 (cited by 3 submitters); PubMed 24444136 (cited by Mayo Clinic Laboratories, Mayo Clinic and Labcorp Genetics (formerly Invitae), Labcorp); PubMed 26143526 (cited by Mayo Clinic Laboratories, Mayo Clinic).